The following is an entry in ClinVar:

NM_003659.4(AGPS):c.*4974T>C

Gene: AGPS (alkylglycerone phosphate synthase; plus strand). Cytogenetic location: 2q31.2.
Variant type: single nucleotide variant.
Coding change: c.*4974T>C on transcript NM_003659.4 (MANE Select); 4974 bases downstream of the stop codon, T replaced by C.
Molecular consequence: 3 prime UTR variant.
Genome position (GRCh38, 1-based): chr2:177,543,169, T>C. VCF-style: chr2-177543169-T-C. GRCh37 (hg19) VCF-style: chr2-178407897-T-C.
Identifiers: ClinVar variation 332599 (VCV000332599.6), dbSNP rs2293475, ClinGen allele CA10611975.

ClinVar aggregate classification (germline): Benign. Review status: criteria provided, multiple submitters, no conflicts (2 of 4 stars). 2 submissions from 2 submitters: Benign (2). Last evaluated 2018-01-13.

Conditions:
Rhizomelic chondrodysplasia punctata type 3 (RCDP3). Also called: ALKYLDIHYDROXYACETONEPHOSPHATE SYNTHASE DEFICIENCY; Alkylglycerone Phosphate Synthase (AGPS) deficiency. Identifiers: Orphanet 177, Orphanet 309803, MedGen C1838612, MONDO:0010823, OMIM 600121. Disease mechanism: loss of function.

Allele frequency attached by ClinVar (database versions not stated): gnomAD 0.83675 and 0.84055; TOPMed 0.83834; 1000 Genomes Project 0.87640; 1000 Genomes Project 30x 0.87711; gnomAD exomes 0.95455.
gnomAD v4.1: 127,938 of 152,104 alleles (84%); highest among the groups gnomAD compares: East Asian, 95%; 54,008 homozygotes.

Submissions (2):

Illumina Laboratory Services, Illumina
Classification: Benign for Rhizomelic chondrodysplasia punctata type 3. Last evaluated: 2018-01-13. Review status: criteria provided, single submitter. Criteria: ICSL Variant Classification Criteria 13 December 2019. Collection method: clinical testing. Allele origin: germline.
Comment: This variant was observed in the ICSL laboratory as part of a predisposition screen in an ostensibly healthy population. It had not been previously curated by ICSL or reported in the Human Gene Mutation Database (HGMD: prior to June 1st, 2018), and was therefore a candidate for classification through an automated scoring system. Utilizing variant allele frequency, disease prevalence and penetrance estimates, and inheritance mode, an automated score was calculated to assess if this variant is too frequent to cause the disease. Based on the score and internal cut-off values, a variant classified as benign is not then subjected to further curation. The score for this variant resulted in a classification of benign for this disease.

Breakthrough Genomics
Classification: Benign. Review status: criteria provided, single submitter. Criteria: ACMG Guidelines, 2015. Collection method: not provided. Allele origin: germline. Inheritance: Autosomal recessive inheritance. Affected: yes.